The following is an entry in ClinVar:

ClinVar aggregate classification (germline): Likely benign. Review status: criteria provided, single submitter (1 of 4 stars). 2 submissions from 2 submitters: Likely benign (1). 1 of the submissions does not count toward it. Last evaluated 2025-07-06.

Conditions:
Cognitive impairment - coarse facies - heart defects - obesity - pulmonary involvement - short stature - skeletal dysplasia syndrome. Also called: AFF4-Related CHOPS Syndrome; COGNITIVE IMPAIRMENT, COARSE FACIES, HEART DEFECTS, OBESITY, PULMONARY INVOLVEMENT, SHORT STATURE, AND SKELETAL DYSPLASIA; Chops syndrome. Identifiers: Orphanet 444077, MedGen C4085597, MONDO:0014609, OMIM 616368.
AFF4-related disorder. Also called: AFF4-related condition.

Submissions (2):

Labcorp Genetics (formerly Invitae), Labcorp
Classification: Likely benign for Cognitive impairment - coarse facies - heart defects - obesity - pulmonary involvement - short stature - skeletal dysplasia syndrome. Last evaluated: 2025-07-06. Review status: criteria provided, single submitter. Criteria: Invitae Variant Classification Sherloc (09022015). Collection method: clinical testing. Allele origin: germline.

PreventionGenetics, part of Exact Sciences
Classification: Likely benign for AFF4-related condition. Last evaluated: 2023-11-03. Review status: no assertion criteria provided. Collection method: clinical testing. Allele origin: germline. Not counted in ClinVar's aggregate classification.
Comment: This variant is classified as likely benign based on ACMG/AMP sequence variant interpretation guidelines (Richards et al. 2015 PMID: 25741868, with internal and published modifications).

NM_014423.4(AFF4):c.2913A>G (p.Ser971=)

Gene: AFF4 (ALF transcription elongation factor 4; minus strand). Cytogenetic location: 5q31.1.
Variant type: single nucleotide variant.
Coding change: c.2913A>G on transcript NM_014423.4 (MANE Select); coding-DNA position 2913, A replaced by G.
Protein change: p.Ser971=; no amino-acid change (serine 971 retained).
Molecular consequence: synonymous variant.
Genome position (GRCh38, 1-based): chr5:132,887,866, T>C on the plus strand (A>G on the coding strand, the complement: AFF4 is on the minus strand). VCF-style: chr5-132887866-T-C. GRCh37 (hg19) VCF-style: chr5-132223558-T-C.
Identifiers: ClinVar variation 3357562 (VCV003357562.2).